The following is an entry in ClinVar:

NM_000430.4(PAFAH1B1):c.364G>C (p.Val122Leu)

Gene: PAFAH1B1 (platelet activating factor acetylhydrolase 1b regulatory subunit 1; plus strand). Cytogenetic location: 17p13.3.
Variant type: single nucleotide variant.
Coding change: c.364G>C on transcript NM_000430.4 (MANE Select); coding-DNA position 364, G replaced by C.
Protein change: p.Val122Leu; replaces valine 122 with leucine.
Molecular consequence: missense variant.
Genome position (GRCh38, 1-based): chr17:2,667,163, G>C. VCF-style: chr17-2667163-G-C. GRCh37 (hg19) VCF-style: chr17-2570457-G-C.
Other names: short protein forms V122L.
Identifiers: ClinVar variation 2442730 (VCV002442730.1), dbSNP rs1230408042, ClinGen allele CA397639093.

ClinVar aggregate classification (germline): Uncertain significance (1 of 4 stars; one submission).

Allele frequency attached by ClinVar (database versions not stated): TOPMed below 0.00001.

Submission:

GeneDx
Classification: Uncertain significance. Last evaluated: 2023-03-04. Review status: criteria provided, single submitter. Criteria: GeneDx Variant Classification Process June 2021. Collection method: clinical testing. Allele origin: germline. Affected: yes.
Comment: Not observed at significant frequency in large population cohorts (gnomAD); In silico analysis supports that this missense variant does not alter protein structure/function; Has not been previously published as pathogenic or benign to our knowledge; This variant is associated with the following publications: (PMID: 19667223, 27535533)